The following is an entry in ClinVar:

ClinVar aggregate classification (germline): Benign/Likely benign. Review status: criteria provided, multiple submitters, no conflicts (2 of 4 stars). 3 submissions from 3 submitters: Benign (1); Likely benign (2). Last evaluated 2024-04-29.

Conditions:
Familial cancer of breast. Also called: hereditary breast carcinoma; BREAST CANCER, FAMILIAL; Hereditary breast cancer. Identifiers: Orphanet 227535, MedGen C0346153, MONDO:0016419, OMIM 114480. Disease mechanism: loss of function.
Ataxia-telangiectasia syndrome (AT). Also called: ATAXIA-TELANGIECTASIA, COMPLEMENTATION GROUP A; ATAXIA-TELANGIECTASIA, FRESNO VARIANT; Ataxia-telangiectasia, complementation group E; Ataxia telangiectasia (A-T); Ataxia-telangiectasia, complementation group D; AT, COMPLEMENTATION GROUP C. Identifiers: Orphanet 100, MedGen C0004135, MONDO:0008840, OMIM 208900.
Hereditary cancer-predisposing syndrome. Also called: Hereditary Cancer Syndrome; Neoplastic Syndromes, Hereditary; Hereditary neoplastic syndrome; Tumor predisposition. Identifiers: Orphanet 140162, MedGen C0027672, MeSH D009386, MONDO:0015356.

Submissions (3):

Myriad Genetics, Inc.
Classification: Benign for Familial cancer of breast. Last evaluated: 2024-04-29. Review status: criteria provided, single submitter. Criteria: Myriad Autosomal Dominant, Autosomal Recessive and X-Linked Classification Criteria (2023). Collection method: clinical testing. Allele origin: unknown.
Comment: This variant is considered benign. This variant is a silent/synonymous amino acid change and it is not expected to impact splicing.

Ambry Genetics
Classification: Likely benign for Hereditary cancer-predisposing syndrome. Last evaluated: 2024-04-26. Review status: criteria provided, single submitter. Criteria: Ambry Variant Classification Scheme 2023. Collection method: clinical testing. Allele origin: germline.

Labcorp Genetics (formerly Invitae), Labcorp
Classification: Likely benign for Ataxia-telangiectasia syndrome. Last evaluated: 2021-10-12. Review status: criteria provided, single submitter. Criteria: Invitae Variant Classification Sherloc (09022015). Collection method: clinical testing. Allele origin: germline.

NM_000051.4(ATM):c.1419A>G (p.Glu473=)

Gene: ATM (ATM serine/threonine kinase; plus strand). Cytogenetic location: 11q22.3.
Variant type: single nucleotide variant.
Coding change: c.1419A>G on transcript NM_000051.4 (MANE Select); coding-DNA position 1419, A replaced by G.
Protein change: p.Glu473=; no amino-acid change (glutamic acid 473 retained).
Molecular consequence: synonymous variant.
Genome position (GRCh38, 1-based): chr11:108,250,884, A>G. VCF-style: chr11-108250884-A-G. GRCh37 (hg19) VCF-style: chr11-108121611-A-G.
Other names: c.1419A>G (NM_000051.3); c.1419A>G, p.Glu473= (NM_001351834.2).
Identifiers: ClinVar variation 1650865 (VCV001650865.10), dbSNP rs2135322174, ClinGen allele CA476744824.